The following is an entry in ClinVar:

NM_182961.4(SYNE1):c.10725C>T (p.Leu3575=)

Gene: SYNE1 (spectrin repeat containing nuclear envelope protein 1; minus strand). Cytogenetic location: 6q25.2.
Variant type: single nucleotide variant.
Coding change: c.10725C>T on transcript NM_182961.4 (MANE Select); coding-DNA position 10725, C replaced by T.
Protein change: p.Leu3575=; no amino-acid change (leucine 3575 retained).
Molecular consequence: synonymous variant.
Genome position (GRCh38, 1-based): chr6:152,354,860, G>A on the plus strand (C>T on the coding strand, the complement: SYNE1 is on the minus strand). VCF-style: chr6-152354860-G-A. GRCh37 (hg19) VCF-style: chr6-152675995-G-A.
Other names: c.10746C>T, p.Leu3582= (NM_033071.5).
Identifiers: ClinVar variation 509491 (VCV000509491.1), dbSNP rs1554524034, ClinGen allele CA452753054.

ClinVar aggregate classification (germline): Likely benign (1 of 4 stars; one submission).

Submission:

GeneDx
Classification: Likely benign. Last evaluated: 2017-05-12. Review status: criteria provided, single submitter. Criteria: GeneDx Variant Classification (06012015). Collection method: clinical testing. Allele origin: germline. Affected: yes.
Comment: This variant is considered likely benign or benign based on one or more of the following criteria: it is a conservative change, it occurs at a poorly conserved position in the protein, it is predicted to be benign by multiple in silico algorithms, and/or has population frequency not consistent with disease.